The following is an entry in ClinVar:

NM_001350162.2(TEX15):c.1261G>A (p.Gly421Ser)

Gene: TEX15 (testis expressed 15, meiosis and synapsis associated; minus strand). Cytogenetic location: 8p12.
Variant type: single nucleotide variant.
Coding change: c.1261G>A on transcript NM_001350162.2 (MANE Select); coding-DNA position 1261, G replaced by A.
Protein change: p.Gly421Ser; replaces glycine 421 with serine.
Molecular consequence: missense variant. On other transcripts: non-coding transcript variant (1).
Genome position (GRCh38, 1-based): chr8:30,848,906, C>T on the plus strand (G>A on the coding strand, the complement: TEX15 is on the minus strand). VCF-style: chr8-30848906-C-T. GRCh37 (hg19) VCF-style: chr8-30706422-C-T.
Other names: c.[112G>A] (NM_031271.3); short protein forms G421S.
Identifiers: ClinVar variation 1339092 (VCV001339092.2), dbSNP rs951031727, ClinGen allele CA174837978.
Genomic context (GRCh38, chr8:30,848,906, plus strand): 5'-CTTCTCTCCTCATCAGTCTTGGGTCTTTGATGGATTTTGAAGTAGTGACTGTGCTTGAGC[C>T]AGTATTGTTGTGAAGAGGAAAAGAAGCATTAAGACCACTTAAAATATTTTTAAGACTTGT-3'
Protein context (NP_001337091.1, residues 411-431): NASFPLHNNT[Gly421Ser]SSTVTTSKSI

ClinVar aggregate classification (germline): Uncertain significance (1 of 4 stars; one submission).

Conditions:
Spermatogenic failure 25. Identifiers: MedGen C4693765, MONDO:0054729, OMIM 617960.

Allele frequency attached by ClinVar (database versions not stated): gnomAD exomes below 0.00001; gnomAD 0.00002 and 0.00025; TOPMed 0.00027.

Submission:

Neuberg Centre For Genomic Medicine, NCGM
Classification: Uncertain significance for Spermatogenic failure 25. Review status: criteria provided, single submitter. Criteria: ACMG Guidelines, 2015. Collection method: clinical testing. Allele origin: germline. Affected: yes.
Comment: The missense variant p.G421S in TEX15 (NM_001350162.2) has not been reported previously as a pathogenic variant nor as a benign variant, to our knowledge. The p.G421S variant is novel (not in any individuals) in gnomAD Exomes and is novel (not in any individuals) in 1000 Genomes. There is a small physicochemical difference between glycine and serine, which is not likely to impact secondary protein structure as these residues share similar properties. In silico tools are contradictory in their predictions (SIFT-Tolerated, Polyphen-Damaging) and the residue is not conserved across species. For these reasons, this variant has been classified as Uncertain Significance.